The following is an entry in ClinVar:

NM_002029.4(FPR1):c.208G>A (p.Ala70Thr)

Gene: FPR1 (formyl peptide receptor 1; minus strand). Cytogenetic location: 19q13.41.
Variant type: single nucleotide variant.
Coding change: c.208G>A on transcript NM_002029.4 (MANE Select); coding-DNA position 208, G replaced by A.
Protein change: p.Ala70Thr; replaces alanine 70 with threonine.
Molecular consequence: missense variant.
Genome position (GRCh38, 1-based): chr19:51,746,787, C>T on the plus strand (G>A on the coding strand, the complement: FPR1 is on the minus strand). VCF-style: chr19-51746787-C-T. GRCh37 (hg19) VCF-style: chr19-52250040-C-T.
Other names: c.208G>A, p.Ala70Thr (NM_001193306.2); short protein forms A70T.
Identifiers: ClinVar variation 2712434 (VCV002712434.3), dbSNP rs2513921000, ClinGen allele CA407120106.

ClinVar aggregate classification (germline): Uncertain significance (1 of 4 stars; one submission).

Conditions:
Gingival disorder. Also called: Gingival disease. Identifiers: MedGen C0017563, MONDO:0002021.

Submission:

Labcorp Genetics (formerly Invitae), Labcorp
Classification: Uncertain significance for Gingival disorder. Last evaluated: 2024-01-26. Review status: criteria provided, single submitter. Criteria: Invitae Variant Classification Sherloc (09022015). Collection method: clinical testing. Allele origin: germline.
Comment: This sequence change replaces alanine, which is neutral and non-polar, with threonine, which is neutral and polar, at codon 70 of the FPR1 protein (p.Ala70Thr). This variant is not present in population databases (gnomAD no frequency). This variant has not been reported in the literature in individuals affected with FPR1-related conditions. An algorithm developed to predict the effect of missense changes on protein structure and function (PolyPhen-2) suggests that this variant is likely to be disruptive. In summary, the available evidence is currently insufficient to determine the role of this variant in disease. Therefore, it has been classified as a Variant of Uncertain Significance.